The following is an entry in ClinVar:

ClinVar aggregate classification (germline): Benign/Likely benign. Review status: criteria provided, multiple submitters, no conflicts (2 of 4 stars). 8 submissions from 8 submitters: Benign (2); Likely benign (4). 2 of the submissions do not count toward it. Last evaluated 2026-01-05.

Allele frequency attached by ClinVar (database versions not stated): ExAC 0.00091; 1000 Genomes Project 30x 0.00203; 1000 Genomes Project 0.00220; gnomAD 0.00246 and 0.00267; gnomAD exomes 0.00030 and 0.00073; TOPMed 0.00269; ESP Exome Variant Server 0.00354.
gnomAD v4.1: 839 of 1,613,126 alleles (0.052%); highest among the groups gnomAD compares: African/African-American, 0.86%; 3 homozygotes.

Submissions (8):

Labcorp Genetics (formerly Invitae), Labcorp
Classification: Benign. Last evaluated: 2026-01-05. Review status: criteria provided, single submitter. Criteria: Invitae Variant Classification Sherloc (09022015). Collection method: clinical testing. Allele origin: germline.

Mayo Clinic Laboratories, Mayo Clinic
Classification: Likely benign. Last evaluated: 2025-06-10. Review status: criteria provided, single submitter. Criteria: ACMG Guidelines, 2015. Collection method: clinical testing. Allele origin: germline. Observed: 1 variant allele.
Comment: BS1, BP4, BP7

Blueprint Genetics
Classification: Likely benign. Last evaluated: 2024-08-08. Review status: criteria provided, single submitter. Criteria: ACMG Guidelines, 2015. Collection method: clinical testing. Allele origin: germline.

CeGaT Center for Human Genetics Tuebingen
Classification: Likely benign. Last evaluated: 2023-02-01. Review status: criteria provided, single submitter. Criteria: CeGaT Center For Human Genetics Tuebingen Variant Classification Criteria Version 2. Collection method: clinical testing. Allele origin: germline. Affected: yes. Observed: 2 variant alleles.
Comment: ELOVL4: BP4, BS2

GeneDx
Classification: Benign. Last evaluated: 2015-03-03. Review status: criteria provided, single submitter. Criteria: GeneDx Variant Classification Process June 2021. Collection method: clinical testing. Allele origin: germline. Affected: yes.

Breakthrough Genomics
Classification: Likely benign. Review status: criteria provided, single submitter. Criteria: ACMG Guidelines, 2015. Collection method: not provided. Allele origin: germline. Inheritance: Autosomal recessive inheritance. Affected: yes.

Clinical Genetics DNA and cytogenetics Diagnostics Lab, Erasmus MC, Erasmus Medical Center
Classification: Benign. Review status: no assertion criteria provided. Collection method: clinical testing. Allele origin: germline. Affected: yes. Study: VKGL Data-share Consensus. Not counted in ClinVar's aggregate classification.

Clinical Genetics, Academic Medical Center
Classification: Benign. Review status: no assertion criteria provided. Collection method: clinical testing. Allele origin: germline. Affected: yes. Study: VKGL Data-share Consensus. Not counted in ClinVar's aggregate classification.

NM_022726.4(ELOVL4):c.101-4A>G

Gene: ELOVL4 (ELOVL fatty acid elongase 4; minus strand). Cytogenetic location: 6q14.1.
Variant type: single nucleotide variant.
Coding change: c.101-4A>G on transcript NM_022726.4 (MANE Select); 4 bases into the intron before coding-DNA position 101, A replaced by G.
Molecular consequence: intron variant.
Genome position (GRCh38, 1-based): chr6:79,926,385, T>C on the plus strand (A>G on the coding strand, the complement: ELOVL4 is on the minus strand). VCF-style: chr6-79926385-T-C. GRCh37 (hg19) VCF-style: chr6-80636102-T-C.
Other names: p.?.
Identifiers: ClinVar variation 788860 (VCV000788860.52), dbSNP rs140639896, ClinGen allele CA3901613.